The following is an entry in ClinVar:

ClinVar aggregate classification (germline): Uncertain significance (1 of 4 stars; one submission).

Conditions:
3-methylglutaconic aciduria, type VIIB (MGCA7B). Also called: CLPB Deficiency; 3-methylglutaconic aciduria with cataracts, neurologic involvement and neutropenia; 3-methylglutaconic aciduria, type VII, with cataracts, neurologic involvement and neutropenia. Identifiers: Orphanet 445038, MedGen C5676893, MONDO:0014561, OMIM 616271.

Allele frequency attached by ClinVar (database versions not stated): gnomAD exomes 0.00001.
gnomAD v4.1: 9 of 1,614,130 alleles (0.00056%); highest among the groups gnomAD compares: Non-Finnish European, 0.00076%; no homozygotes.

Submission:

Labcorp Genetics (formerly Invitae), Labcorp
Classification: Uncertain significance for 3-methylglutaconic aciduria, type VIIB. Last evaluated: 2021-01-06. Review status: criteria provided, single submitter. Criteria: Invitae Variant Classification Sherloc (09022015). Collection method: clinical testing. Allele origin: germline.
Comment: In summary, the available evidence is currently insufficient to determine the role of this variant in disease. Therefore, it has been classified as a Variant of Uncertain Significance. Algorithms developed to predict the effect of sequence changes on RNA splicing suggest that this variant may create or strengthen a splice site, but this prediction has not been confirmed by published transcriptional studies. Algorithms developed to predict the effect of missense changes on protein structure and function (SIFT, PolyPhen-2, Align-GVGD) all suggest that this variant is likely to be tolerated, but these predictions have not been confirmed by published functional studies and their clinical significance is uncertain. This variant has not been reported in the literature in individuals with CLPB-related conditions. This variant is not present in population databases (ExAC no frequency). This sequence change replaces histidine with glutamine at codon 616 of the CLPB protein (p.His616Gln). The histidine residue is highly conserved and there is a small physicochemical difference between histidine and glutamine.

NM_001258392.3(CLPB):c.1758C>G (p.His586Gln)

Gene: CLPB (ClpB family mitochondrial disaggregase; minus strand). Cytogenetic location: 11q13.4.
Variant type: single nucleotide variant.
Coding change: c.1758C>G on transcript NM_001258392.3 (MANE Select); coding-DNA position 1758, C replaced by G.
Protein change: p.His586Gln; replaces histidine 586 with glutamine.
Molecular consequence: missense variant.
Genome position (GRCh38, 1-based): chr11:72,294,049, G>C on the plus strand (C>G on the coding strand, the complement: CLPB is on the minus strand). VCF-style: chr11-72294049-G-C. GRCh37 (hg19) VCF-style: chr11-72005093-G-C.
Other names: c.1671C>G, p.His557Gln (NM_001258393.3); c.1713C>G, p.His571Gln (NM_001258394.3); c.1848C>G, p.His616Gln (NM_030813.6); short protein forms H571Q, H586Q, H616Q, H557Q.
Identifiers: ClinVar variation 1500628 (VCV001500628.8), dbSNP rs2135484836, ClinGen allele CA381725422.